The following is an entry in ClinVar:

NM_017849.4(TMEM127):c.161T>G (p.Leu54Trp)

Gene: TMEM127 (transmembrane protein 127; minus strand). Cytogenetic location: 2q11.2.
Variant type: single nucleotide variant.
Coding change: c.161T>G on transcript NM_017849.4 (MANE Select); coding-DNA position 161, T replaced by G.
Protein change: p.Leu54Trp; replaces leucine 54 with tryptophan.
Molecular consequence: missense variant.
Genome position (GRCh38, 1-based): chr2:96,265,221, A>C on the plus strand (T>G on the coding strand, the complement: TMEM127 is on the minus strand). VCF-style: chr2-96265221-A-C. GRCh37 (hg19) VCF-style: chr2-96930959-A-C.
Other names: c.161T>G, p.Leu54Trp (NM_001193304.3); short protein forms L54W.
Identifiers: ClinVar variation 1776586 (VCV001776586.2), dbSNP rs2467285409, ClinGen allele CA347655994.
Genomic context (GRCh38, chr2:96,265,221, plus strand): 5'-TAGCCCAACACGTCGGAGACCCCCAGCTCCTGGCGCGAACAGGTGCCTCCGTGGATGTGC[A>C]ACCAGGCGGGCTCGGCGAGGGCAGTGCACAGCGCCGTGATAGACAGGGCGCCAGGCAGGG-3'
Protein context (NP_060319.1, residues 44-64): LCTALAEPAW[Leu54Trp]HIHGGTCSRQ

ClinVar aggregate classification (germline): Uncertain significance (1 of 4 stars; one submission).

Conditions:
Hereditary cancer-predisposing syndrome. Also called: Neoplastic Syndromes, Hereditary; Tumor predisposition; Hereditary Cancer Syndrome; Hereditary neoplastic syndrome. Identifiers: Orphanet 140162, MedGen C0027672, MeSH D009386, MONDO:0015356.

Submission:

Ambry Genetics
Classification: Uncertain significance for Hereditary cancer-predisposing syndrome. Last evaluated: 2024-03-06. Review status: criteria provided, single submitter. Criteria: Ambry Variant Classification Scheme 2023. Collection method: clinical testing. Allele origin: germline.
Comment: The p.L54W variant (also known as c.161T>G), located in coding exon 1 of the TMEM127 gene, results from a T to G substitution at nucleotide position 161. The leucine at codon 54 is replaced by tryptophan, an amino acid with similar properties. This amino acid position is conserved. In addition, this alteration is predicted to be deleterious by in silico analysis. Since supporting evidence is limited at this time, the clinical significance of this alteration remains unclear.